The following is an entry in ClinVar:

NM_001278669.2(NFATC1):c.2137C>T (p.Pro713Ser)

Gene: NFATC1 (nuclear factor of activated T cells 1; plus strand). Cytogenetic location: 18q23.
Variant type: single nucleotide variant.
Coding change: c.2137C>T on transcript NM_001278669.2 (MANE Select); coding-DNA position 2137, C replaced by T.
Protein change: p.Pro713Ser; replaces proline 713 with serine.
Molecular consequence: missense variant. On other transcripts: intron variant (2).
Genome position (GRCh38, 1-based): chr18:79,486,292, C>T. VCF-style: chr18-79486292-C-T. GRCh37 (hg19) VCF-style: chr18-77246292-C-T.
Other names: c.721C>T, p.Pro241Ser (NM_001278673.2, NM_172388.3); c.2137C>T, p.Pro713Ser (NM_006162.5); c.2098C>T, p.Pro700Ser (NM_172387.3, NM_172389.3); c.2092+18710C>T (NM_001278670.2); c.2053+18710C>T (NM_001278672.2); short protein forms P241S, P700S, P713S.
Identifiers: ClinVar variation 2419491 (VCV002419491.6), dbSNP rs745497301, ClinGen allele CA9009540.

ClinVar aggregate classification (germline): Uncertain significance (1 of 4 stars; one submission).

Allele frequency attached by ClinVar (database versions not stated): ExAC 0.00001; gnomAD exomes 0.00001.
gnomAD v4.1: 7 of 1,613,188 alleles (0.00043%); highest among the groups gnomAD compares: Admixed American, 0.01%; no homozygotes.

Submission:

Labcorp Genetics (formerly Invitae), Labcorp
Classification: Uncertain significance. Last evaluated: 2022-01-11. Review status: criteria provided, single submitter. Criteria: Invitae Variant Classification Sherloc (09022015). Collection method: clinical testing. Allele origin: germline.
Comment: In summary, the available evidence is currently insufficient to determine the role of this variant in disease. Therefore, it has been classified as a Variant of Uncertain Significance. Algorithms developed to predict the effect of missense changes on protein structure and function (SIFT, PolyPhen-2, Align-GVGD) all suggest that this variant is likely to be tolerated. This variant has not been reported in the literature in individuals affected with NFATC1-related conditions. This variant is present in population databases (rs745497301, gnomAD 0.01%). This sequence change replaces proline, which is neutral and non-polar, with serine, which is neutral and polar, at codon 713 of the NFATC1 protein (p.Pro713Ser).